The following is an entry in ClinVar:

ClinVar aggregate classification (germline): Uncertain significance (1 of 4 stars; one submission).

Conditions:
Hereditary spastic paraplegia. Also called: Familial spastic paraparesis. Identifiers: Orphanet 685, MedGen C0037773, MONDO:0019064. Disease mechanism: loss of function.

Allele frequency attached by ClinVar (database versions not stated): gnomAD exomes below 0.00001; TOPMed below 0.00001.
gnomAD v4.1: 2 of 1,614,094 alleles (0.00012%); highest among the groups gnomAD compares: Non-Finnish European, 0.00017%; no homozygotes.

Submission:

Labcorp Genetics (formerly Invitae), Labcorp
Classification: Uncertain significance for Hereditary spastic paraplegia. Last evaluated: 2020-03-23. Review status: criteria provided, single submitter. Criteria: Invitae Variant Classification Sherloc (09022015). Collection method: clinical testing. Allele origin: germline.
Comment: This variant is not present in population databases (ExAC no frequency). This sequence change replaces glutamine with histidine at codon 350 of the USP8 protein (p.Gln350His). The glutamine residue is weakly conserved and there is a small physicochemical difference between glutamine and histidine. This variant has not been reported in the literature in individuals with USP8-related conditions. Algorithms developed to predict the effect of missense changes on protein structure and function (SIFT, PolyPhen-2, Align-GVGD) all suggest that this variant is likely to be tolerated, but these predictions have not been confirmed by published functional studies and their clinical significance is uncertain. In summary, the available evidence is currently insufficient to determine the role of this variant in disease. Therefore, it has been classified as a Variant of Uncertain Significance.

NM_005154.5(USP8):c.1050G>T (p.Gln350His)

Gene: USP8 (ubiquitin specific peptidase 8; plus strand). Cytogenetic location: 15q21.2.
Variant type: single nucleotide variant.
Coding change: c.1050G>T on transcript NM_005154.5 (MANE Select); coding-DNA position 1050, G replaced by T.
Protein change: p.Gln350His; replaces glutamine 350 with histidine.
Molecular consequence: missense variant.
Genome position (GRCh38, 1-based): chr15:50,477,331, G>T. VCF-style: chr15-50477331-G-T. GRCh37 (hg19) VCF-style: chr15-50769528-G-T.
Other names: c.1050G>T, p.Gln350His (NM_001128610.3); c.819G>T, p.Gln273His (NM_001283049.2); short protein forms Q273H, Q350H.
Identifiers: ClinVar variation 1037976 (VCV001037976.8), dbSNP rs2051600642, ClinGen allele CA392389729.